The following is an entry in ClinVar:

ClinVar aggregate classification (germline): Uncertain significance. Review status: criteria provided, multiple submitters, no conflicts (2 of 4 stars). 2 submissions from 2 submitters: Uncertain significance (2). Last evaluated 2025-08-27.

Conditions:
Hereditary cancer-predisposing syndrome. Also called: Hereditary Cancer Syndrome; Hereditary neoplastic syndrome; Neoplastic Syndromes, Hereditary; Tumor predisposition. Identifiers: Orphanet 140162, MedGen C0027672, MeSH D009386, MONDO:0015356.
Familial adenomatous polyposis 2. Also called: MUTYH-associated polyposis; MUTYH-related attenuated familial adenomatous polyposis; FAP type 2; Adenomas, multiple colorectal; MYH-associated polyposis; MUTYH Polyposis. Identifiers: Orphanet 220460, Orphanet 247798, MedGen C3272841, MONDO:0012041, OMIM 608456.

Submissions (2):

Ambry Genetics
Classification: Uncertain significance for Hereditary cancer-predisposing syndrome. Last evaluated: 2025-08-27. Review status: criteria provided, single submitter. Criteria: Ambry Variant Classification Scheme 2023. Collection method: clinical testing. Allele origin: germline.
Comment: The p.E73D variant (also known as c.219A>T), located in coding exon 3 of the MUTYH gene, results from an A to T substitution at nucleotide position 219. The glutamic acid at codon 73 is replaced by aspartic acid, an amino acid with highly similar properties. This amino acid position is conserved. In addition, this alteration is predicted to be tolerated by in silico analysis. Based on the available evidence, the clinical significance of this variant remains unclear.

Labcorp Genetics (formerly Invitae), Labcorp
Classification: Uncertain significance for Familial adenomatous polyposis 2. Last evaluated: 2023-09-03. Review status: criteria provided, single submitter. Criteria: Invitae Variant Classification Sherloc (09022015). Collection method: clinical testing. Allele origin: germline.
Comment: This sequence change replaces glutamic acid, which is acidic and polar, with aspartic acid, which is acidic and polar, at codon 73 of the MUTYH protein (p.Glu73Asp). This variant is not present in population databases (gnomAD no frequency). This variant has not been reported in the literature in individuals affected with MUTYH-related conditions. ClinVar contains an entry for this variant (Variation ID: 1722301). An algorithm developed to predict the effect of missense changes on protein structure and function (PolyPhen-2) suggests that this variant is likely to be tolerated. In summary, the available evidence is currently insufficient to determine the role of this variant in disease. Therefore, it has been classified as a Variant of Uncertain Significance.

NM_001048174.2(MUTYH):c.135A>T (p.Glu45Asp)

Gene: MUTYH (mutY DNA glycosylase; minus strand). Cytogenetic location: 1p34.1.
Variant type: single nucleotide variant.
Coding change: c.135A>T on transcript NM_001048174.2 (MANE Select); coding-DNA position 135, A replaced by T.
Protein change: p.Glu45Asp; replaces glutamic acid 45 with aspartic acid.
Molecular consequence: missense variant. On other transcripts: non-coding transcript variant (2), intron variant (3), 5 prime UTR variant (1).
Genome position (GRCh38, 1-based): chr1:45,333,542, T>A on the plus strand (A>T on the coding strand, the complement: MUTYH is on the minus strand). VCF-style: chr1-45333542-T-A. GRCh37 (hg19) VCF-style: chr1-45799214-T-A.
Other names: c.135A>T, p.Glu45Asp (NM_001048171.2, NM_001048173.2, NM_001407080.1 and 6 more transcripts); c.138A>T, p.Glu46Asp (NM_001048172.2, NM_001407079.1, NM_001407086.1 and 2 more transcripts); c.219A>T, p.Glu73Asp (NM_001128425.2); c.180A>T, p.Glu60Asp (NM_001293190.2); c.168A>T, p.Glu56Asp (NM_001293191.2, NM_001407077.1); c.177A>T, p.Glu59Asp (NM_001407083.1, NM_001407085.1, NM_001407073.1); c.156A>T, p.Glu52Asp (NM_001407087.1); c.210A>T, p.Glu70Asp (NM_012222.3, NM_001407069.1); and 4 more; short protein forms E17D, E45D, E46D, E52D, E56D, E59D, E60D, E70D.
Identifiers: ClinVar variation 1722301 (VCV001722301.6), dbSNP rs2524282178, ClinGen allele CA340136641.